The following is an entry in ClinVar:

ClinVar aggregate classification (germline): Benign. Review status: criteria provided, multiple submitters, no conflicts (2 of 4 stars). 2 submissions from 2 submitters: Benign (2). Last evaluated 2018-07-09.

Conditions:
Xeroderma pigmentosum variant type. Also called: POLH-Related Xeroderma Pigmentosum; PHOTOSENSITIVITY WITH DEFECTIVE DNA SYNTHESIS; XERODERMA PIGMENTOSUM WITH NORMAL DNA REPAIR RATES. Identifiers: Orphanet 90342, MedGen C1848410, MONDO:0010214, OMIM 278750.

Allele frequency attached by ClinVar (database versions not stated): gnomAD exomes 0.04679; gnomAD 0.11982 and 0.12458; TOPMed 0.12869; 1000 Genomes Project 0.13339; 1000 Genomes Project 30x 0.13726.
gnomAD v4.1: 28,440 of 368,234 alleles (7.7%); highest among the groups gnomAD compares: African/African-American, 33%; 3,003 homozygotes.

Submissions (2):

GeneDx
Classification: Benign. Last evaluated: 2018-07-09. Review status: criteria provided, single submitter. Criteria: GeneDx Variant Classification Process June 2021. Collection method: clinical testing. Allele origin: germline. Affected: yes.

Illumina Laboratory Services, Illumina
Classification: Benign for Xeroderma pigmentosum variant type. Last evaluated: 2018-01-13. Review status: criteria provided, single submitter. Criteria: ICSL Variant Classification Criteria 13 December 2019. Collection method: clinical testing. Allele origin: germline.
Comment: This variant was observed in the ICSL laboratory as part of a predisposition screen in an ostensibly healthy population. It had not been previously curated by ICSL or reported in the Human Gene Mutation Database (HGMD: prior to June 1st, 2018), and was therefore a candidate for classification through an automated scoring system. Utilizing variant allele frequency, disease prevalence and penetrance estimates, and inheritance mode, an automated score was calculated to assess if this variant is too frequent to cause the disease. Based on the score and internal cut-off values, a variant classified as benign is not then subjected to further curation. The score for this variant resulted in a classification of benign for this disease.

NM_006502.3(POLH):c.*290C>T

Gene: POLH (DNA polymerase eta; plus strand). Cytogenetic location: 6p21.1.
Variant type: single nucleotide variant.
Coding change: c.*290C>T on transcript NM_006502.3 (MANE Select); 290 bases downstream of the stop codon, C replaced by T.
Molecular consequence: 3 prime UTR variant.
Genome position (GRCh38, 1-based): chr6:43,614,847, C>T. VCF-style: chr6-43614847-C-T. GRCh37 (hg19) VCF-style: chr6-43582584-C-T.
Other names: c.*290C>T (NM_001291969.2); c.*1116C>T (NM_001291970.2).
Identifiers: ClinVar variation 356918 (VCV000356918.10), dbSNP rs6899628, ClinGen allele CA10622157.
Genomic context (GRCh38, chr6:43,614,847, plus strand): 5'-TAGCATTTAGGGAGGCAGTGTCATAAAGTAAAAAGTGTGTGGGCCTTGGAGTCTAAGAGA[C>T]GTGGTTGCAAACTTAGCTCTGGTTATTGCAATGAGGGCCTTGAACAAGTCATTTTCTTCA-3'